The following is an entry in ClinVar:

NM_006939.4(SOS2):c.2785+276T>C

Gene: SOS2 (SOS Ras/Rho guanine nucleotide exchange factor 2; minus strand). Cytogenetic location: 14q21.3.
Variant type: single nucleotide variant.
Coding change: c.2785+276T>C on transcript NM_006939.4 (MANE Select); 276 bases into the intron after coding-DNA position 2785, T replaced by C.
Molecular consequence: intron variant.
Genome position (GRCh38, 1-based): chr14:50,139,666, A>G on the plus strand (T>C on the coding strand, the complement: SOS2 is on the minus strand). VCF-style: chr14-50139666-A-G. GRCh37 (hg19) VCF-style: chr14-50606384-A-G.
Identifiers: ClinVar variation 561838 (VCV000561838.1), dbSNP rs7154299, ClinGen allele CA16489518.

ClinVar aggregate classification (germline): Benign (1 of 4 stars; one submission).

Allele frequency attached by ClinVar (database versions not stated): 1000 Genomes Project 0.85343; 1000 Genomes Project 30x 0.85493; gnomAD 0.86947 and 0.87260; TOPMed 0.87397.
gnomAD v4.1: 132,319 of 152,238 alleles (87%); highest among the groups gnomAD compares: East Asian, 92%; 57,593 homozygotes.

Submission:

GeneDx
Classification: Benign. Last evaluated: 2018-06-14. Review status: criteria provided, single submitter. Criteria: GeneDx Variant Classification (06012015). Collection method: clinical testing. Allele origin: germline. Affected: yes.
Comment: This variant is considered likely benign or benign based on one or more of the following criteria: it is a conservative change, it occurs at a poorly conserved position in the protein, it is predicted to be benign by multiple in silico algorithms, and/or has population frequency not consistent with disease.